The following is an entry in ClinVar:

NM_001110556.2(FLNA):c.1371C>G (p.His457Gln)

Gene: FLNA (filamin A; minus strand). Cytogenetic location: Xq28.
Variant type: single nucleotide variant.
Coding change: c.1371C>G on transcript NM_001110556.2 (MANE Select); coding-DNA position 1371, C replaced by G.
Protein change: p.His457Gln; replaces histidine 457 with glutamine.
Molecular consequence: missense variant.
Genome position (GRCh38, 1-based): chrX:154,366,082, G>C on the plus strand (C>G on the coding strand, the complement: FLNA is on the minus strand). VCF-style: chrX-154366082-G-C. GRCh37 (hg19) VCF-style: chrX-153594450-G-C.
Other names: c.1371C>G, p.His457Gln (NM_001456.4); short protein forms H457Q.
Identifiers: ClinVar variation 1208486 (VCV001208486.9), dbSNP rs202112979, ClinGen allele CA415243717.
Genomic context (GRCh38, chrX:154,366,082, plus strand): 5'-ACCTTGGCCAACAGTGACAGTGTAGGGGCTGCGAGGGATGGGCACGCCGGCAAACGTGAC[G>C]TGCACGGTGTGGACGCCCTCCATGGTGGGCTGGTAGCTGCAGCGGTATGTGCTGTCGCCC-3'
Protein context (NP_001104026.1, residues 447-467): QPTMEGVHTV[His457Gln]VTFAGVPIPR

ClinVar aggregate classification (germline): Uncertain significance. Review status: criteria provided, multiple submitters, no conflicts (2 of 4 stars). 2 submissions from 2 submitters: Uncertain significance (2). Last evaluated 2022-08-02.

Conditions:
Heterotopia, periventricular, X-linked dominant (PVNH1). Also called: PERIVENTRICULAR NODULAR HETEROTOPIA 1; X-linked periventricular heterotopia; PERIVENTRICULAR NODULAR HETEROTOPIA 4; HETEROTOPIA, PERIVENTRICULAR, 1. Identifiers: Orphanet 2149, Orphanet 82004, MedGen C1848213, MONDO:0010233, OMIM 300049.
Melnick-Needles syndrome (MNS). Also called: MELNICK-NEEDLES OSTEODYSPLASTY; OSTEODYSPLASTY OF MELNICK AND NEEDLES; Melnick-Needles Syndrome (FLNA-MNS). Identifiers: Orphanet 2484, MedGen C0025237, MONDO:0010650, OMIM 309350.
Frontometaphyseal dysplasia (FMD1). Identifiers: Orphanet 1826, MedGen C0265293, MONDO:0015942.
Oto-palato-digital syndrome, type II (OPD2). Also called: FACIOPALATOOSSEOUS SYNDROME; OPD II SYNDROME; Otopalatodigital Syndrome Type 2 (FLNA-OPD2); Otopalatodigital Syndrome, Type II. Identifiers: Orphanet 669, Orphanet 90652, MedGen C1844696, MONDO:0010571, OMIM 304120.

Submissions (2):

Labcorp Genetics (formerly Invitae), Labcorp
Classification: Uncertain significance for Oto-palato-digital syndrome, type II; Heterotopia, periventricular, X-linked dominant; Frontometaphyseal dysplasia; Melnick-Needles syndrome. Last evaluated: 2022-08-02. Review status: criteria provided, single submitter. Criteria: Invitae Variant Classification Sherloc (09022015). Collection method: clinical testing. Allele origin: germline.
Comment: Advanced modeling of protein sequence and biophysical properties (such as structural, functional, and spatial information, amino acid conservation, physicochemical variation, residue mobility, and thermodynamic stability) performed at Invitae indicates that this missense variant is not expected to disrupt FLNA protein function. ClinVar contains an entry for this variant (Variation ID: 1208486). This variant has not been reported in the literature in individuals affected with FLNA-related conditions. In summary, the available evidence is currently insufficient to determine the role of this variant in disease. Therefore, it has been classified as a Variant of Uncertain Significance. This variant is not present in population databases (gnomAD no frequency). This sequence change replaces histidine, which is basic and polar, with glutamine, which is neutral and polar, at codon 457 of the FLNA protein (p.His457Gln).

GeneDx
Classification: Uncertain significance. Last evaluated: 2019-11-19. Review status: criteria provided, single submitter. Criteria: GeneDx Variant Classification Process June 2021. Collection method: clinical testing. Allele origin: germline. Affected: yes.
Comment: Not observed in large population cohorts (Lek et al., 2016); In silico analysis, which includes protein predictors and evolutionary conservation, supports that this variant does not alter protein structure/function; Has not been previously published as pathogenic or benign to our knowledge